The following is an entry in ClinVar:

NM_005732.4(RAD50):c.347G>T (p.Gly116Val)

Gene: RAD50 (RAD50 double strand break repair protein; plus strand). Cytogenetic location: 5q31.1.
Variant type: single nucleotide variant.
Coding change: c.347G>T on transcript NM_005732.4 (MANE Select); coding-DNA position 347, G replaced by T.
Protein change: p.Gly116Val; replaces glycine 116 with valine.
Molecular consequence: missense variant.
Genome position (GRCh38, 1-based): chr5:132,575,910, G>T. VCF-style: chr5-132575910-G-T. GRCh37 (hg19) VCF-style: chr5-131911602-G-T.
Other names: short protein forms G116V.
Identifiers: ClinVar variation 2810492 (VCV002810492.3), dbSNP rs2149836473, ClinGen allele CA360931426.

ClinVar aggregate classification (germline): Uncertain significance (1 of 4 stars; one submission).

Conditions:
Hereditary cancer-predisposing syndrome. Also called: Tumor predisposition; Hereditary Cancer Syndrome; Hereditary neoplastic syndrome; Neoplastic Syndromes, Hereditary. Identifiers: Orphanet 140162, MedGen C0027672, MeSH D009386, MONDO:0015356.

Submission:

Labcorp Genetics (formerly Invitae), Labcorp
Classification: Uncertain significance for Hereditary cancer-predisposing syndrome. Last evaluated: 2022-10-29. Review status: criteria provided, single submitter. Criteria: Invitae Variant Classification Sherloc (09022015). Collection method: clinical testing. Allele origin: germline.
Comment: Advanced modeling of protein sequence and biophysical properties (such as structural, functional, and spatial information, amino acid conservation, physicochemical variation, residue mobility, and thermodynamic stability) performed at Invitae indicates that this missense variant is expected to disrupt RAD50 protein function. In summary, the available evidence is currently insufficient to determine the role of this variant in disease. Therefore, it has been classified as a Variant of Uncertain Significance. Algorithms developed to predict the effect of sequence changes on RNA splicing suggest that this variant may create or strengthen a splice site. This variant has not been reported in the literature in individuals affected with RAD50-related conditions. This variant is not present in population databases (gnomAD no frequency). This sequence change replaces glycine, which is neutral and non-polar, with valine, which is neutral and non-polar, at codon 116 of the RAD50 protein (p.Gly116Val).